The following is an entry in ClinVar:

ClinVar aggregate classification (germline): Likely pathogenic (1 of 4 stars; one submission).

Submission:

Labcorp Genetics (formerly Invitae), Labcorp
Classification: Likely pathogenic. Last evaluated: 2023-07-03. Review status: criteria provided, single submitter. Criteria: Invitae Variant Classification Sherloc (09022015). Collection method: clinical testing. Allele origin: germline.
Comment: This sequence change affects a donor splice site in intron 11 of the PDE6B gene. It is expected to disrupt RNA splicing. Variants that disrupt the donor or acceptor splice site typically lead to a loss of protein function (PMID: 16199547), and loss-of-function variants in PDE6B are known to be pathogenic (PMID: 8394174, 8595886, 22334370). In summary, the currently available evidence indicates that the variant is pathogenic, but additional data are needed to prove that conclusively. Therefore, this variant has been classified as Likely Pathogenic. Algorithms developed to predict the effect of sequence changes on RNA splicing suggest that this variant may disrupt the consensus splice site. ClinVar contains an entry for this variant (Variation ID: 1068212). This variant has not been reported in the literature in individuals affected with PDE6B-related conditions. This variant is not present in population databases (gnomAD no frequency).

Literature cited by the submitters: PubMed 16199547; PubMed 8394174; PubMed 8595886; PubMed 22334370.

NM_000283.4(PDE6B):c.1467+1G>T

Gene: PDE6B (phosphodiesterase 6B; plus strand). Cytogenetic location: 4p16.3.
Variant type: single nucleotide variant.
Coding change: c.1467+1G>T on transcript NM_000283.4 (MANE Select); the canonical splice donor site of the intron after coding-DNA position 1467, G replaced by T.
Molecular consequence: splice donor variant.
Genome position (GRCh38, 1-based): chr4:659,018, G>T. VCF-style: chr4-659018-G-T. GRCh37 (hg19) VCF-style: chr4-652807-G-T.
Other names: c.1467+1G>T (NM_001145291.2); c.630+1G>T (NM_001379246.1, NM_001379247.1, NM_001145292.2 and 1 more transcripts); c.312+1G>T (NM_001350155.3).
Identifiers: ClinVar variation 1068212 (VCV001068212.7), dbSNP rs527236089, ClinGen allele CA355915486.